The following is an entry in ClinVar:

NM_001365951.3(KIF1B):c.1925C>T (p.Ala642Val)

Gene: KIF1B (kinesin family member 1B; plus strand). Cytogenetic location: 1p36.22.
Variant type: single nucleotide variant.
Coding change: c.1925C>T on transcript NM_001365951.3 (MANE Select); coding-DNA position 1925, C replaced by T.
Protein change: p.Ala642Val; replaces alanine 642 with valine.
Molecular consequence: missense variant.
Genome position (GRCh38, 1-based): chr1:10,296,960, C>T. VCF-style: chr1-10296960-C-T. GRCh37 (hg19) VCF-style: chr1-10357018-C-T.
Other names: c.1925C>T, p.Ala642Val (NM_001365952.1); c.1787C>T, p.Ala596Val (NM_001365953.1, NM_015074.3, NM_183416.4); short protein forms A596V, A642V.
Identifiers: ClinVar variation 1780112 (VCV001780112.6), dbSNP rs2521402127, ClinGen allele CA338316782.

ClinVar aggregate classification (germline): Uncertain significance. Review status: criteria provided, multiple submitters, no conflicts (2 of 4 stars). 2 submissions from 2 submitters: Uncertain significance (2). Last evaluated 2024-06-08.

Conditions:
Charcot-Marie-Tooth disease type 2. Also called: Charcot-Marie-Tooth type 2. Identifiers: Orphanet 64746, MedGen C0270914, MONDO:0018993.

Submissions (2):

Ambry Genetics
Classification: Uncertain significance. Last evaluated: 2024-06-08. Review status: criteria provided, single submitter. Criteria: Ambry Variant Classification Scheme 2023. Collection method: clinical testing. Allele origin: germline.
Comment: The p.A596V variant (also known as c.1787C>T), located in coding exon 18 of the KIF1B gene, results from a C to T substitution at nucleotide position 1787. The alanine at codon 596 is replaced by valine, an amino acid with similar properties. This amino acid position is conserved. In addition, the in silico prediction for this alteration is inconclusive. Since supporting evidence is limited at this time, the clinical significance of this alteration remains unclear.

Labcorp Genetics (formerly Invitae), Labcorp
Classification: Uncertain significance for Charcot-Marie-Tooth disease type 2. Last evaluated: 2023-06-23. Review status: criteria provided, single submitter. Criteria: Invitae Variant Classification Sherloc (09022015). Collection method: clinical testing. Allele origin: germline.
Comment: In summary, the available evidence is currently insufficient to determine the role of this variant in disease. Therefore, it has been classified as a Variant of Uncertain Significance. Advanced modeling of protein sequence and biophysical properties (such as structural, functional, and spatial information, amino acid conservation, physicochemical variation, residue mobility, and thermodynamic stability) performed at Invitae indicates that this missense variant is not expected to disrupt KIF1B protein function. This sequence change replaces alanine, which is neutral and non-polar, with valine, which is neutral and non-polar, at codon 596 of the KIF1B protein (p.Ala596Val). This variant is not present in population databases (gnomAD no frequency). This variant has not been reported in the literature in individuals affected with KIF1B-related conditions. ClinVar contains an entry for this variant (Variation ID: 1780112).